The following is an entry in ClinVar:

NM_001195129.2(PRSS56):c.814G>C (p.Ala272Pro)

Gene: PRSS56 (serine protease 56; plus strand). Cytogenetic location: 2q37.1.
Variant type: single nucleotide variant.
Coding change: c.814G>C on transcript NM_001195129.2 (MANE Select); coding-DNA position 814, G replaced by C.
Protein change: p.Ala272Pro; replaces alanine 272 with proline.
Molecular consequence: missense variant.
Genome position (GRCh38, 1-based): chr2:232,523,167, G>C. VCF-style: chr2-232523167-G-C. GRCh37 (hg19) VCF-style: chr2-233387877-G-C.
Other names: c.814G>C, p.Ala272Pro (NM_001369848.1); short protein forms A272P.
Identifiers: ClinVar variation 2052549 (VCV002052549.4), dbSNP rs961191608, ClinGen allele CA350990226.
Genomic context (GRCh38, chr2:232,523,167, plus strand): 5'-AGCACCGACACCTGCCGAAGAGCCCTGGGGCCCGGGCTGCGCCCCAGCACCATGCTCTGC[G>C]CCGGGTACCTGGCGGGGGGCGTTGACTCGTGCCAGGTATGAACCCAGTCTGATGAGAAAA-3'
Protein context (NP_001182058.1, residues 262-282): PGLRPSTMLC[Ala272Pro]GYLAGGVDSC

ClinVar aggregate classification (germline): Uncertain significance (1 of 4 stars; one submission).

Conditions:
Isolated microphthalmia 6. Also called: MICROPHTHALMIA, POSTERIOR NONSYNDROMIC. Identifiers: Orphanet 2542, MedGen C3150757, MONDO:0013293, OMIM 613517.

Submission:

Labcorp Genetics (formerly Invitae), Labcorp
Classification: Uncertain significance for Isolated microphthalmia 6. Last evaluated: 2022-10-17. Review status: criteria provided, single submitter. Criteria: Invitae Variant Classification Sherloc (09022015). Collection method: clinical testing. Allele origin: germline.
Comment: This sequence change replaces alanine, which is neutral and non-polar, with proline, which is neutral and non-polar, at codon 272 of the PRSS56 protein (p.Ala272Pro). In summary, the available evidence is currently insufficient to determine the role of this variant in disease. Therefore, it has been classified as a Variant of Uncertain Significance. Algorithms developed to predict the effect of missense changes on protein structure and function are either unavailable or do not agree on the potential impact of this missense change (SIFT: "Deleterious"; PolyPhen-2: "Not Available"; Align-GVGD: "Class C0"). This variant has not been reported in the literature in individuals affected with PRSS56-related conditions. This variant is not present in population databases (gnomAD no frequency).